The following is an entry in ClinVar:

NM_002860.4(ALDH18A1):c.1106T>C (p.Met369Thr)

Gene: ALDH18A1 (aldehyde dehydrogenase 18 family member A1; minus strand). Cytogenetic location: 10q24.1.
Variant type: single nucleotide variant.
Coding change: c.1106T>C on transcript NM_002860.4 (MANE Select); coding-DNA position 1106, T replaced by C.
Protein change: p.Met369Thr; replaces methionine 369 with threonine.
Molecular consequence: missense variant.
Genome position (GRCh38, 1-based): chr10:95,626,749, A>G on the plus strand (T>C on the coding strand, the complement: ALDH18A1 is on the minus strand). VCF-style: chr10-95626749-A-G. GRCh37 (hg19) VCF-style: chr10-97386506-A-G.
Other names: c.1100T>C, p.Met367Thr (NM_001017423.2, NM_001323415.2); c.773T>C, p.Met258Thr (NM_001323412.2, NM_001323416.2); c.1106T>C, p.Met369Thr (NM_001323413.2, NM_001323414.2); c.1001T>C, p.Met334Thr (NM_001323417.2); c.767T>C, p.Met256Thr (NM_001323418.2); c.470T>C, p.Met157Thr (NM_001323419.2); c.1106T>C (NM_002860.3); short protein forms M256T, M369T, M258T, M334T, M367T, M157T.
Identifiers: ClinVar variation 2196698 (VCV002196698.7), dbSNP rs145294634, ClinGen allele CA5620421.

ClinVar aggregate classification (germline): Conflicting classifications of pathogenicity. Review status: criteria provided, conflicting classifications (1 of 4 stars). 4 submissions from 4 submitters: Uncertain significance (3); Likely benign (1). Last evaluated 2026-02-02.

Conditions:
Autosomal dominant spastic paraplegia type 9. Identifiers: MedGen C1832669, MONDO:0015091.
de Barsy syndrome. Also called: Cutis laxa-corneal clouding-oligophrenia syndrome. Identifiers: Orphanet 2962, MedGen C0268354, MONDO:0017569.
Cutis laxa, autosomal dominant 3 (ADCL3). Identifiers: Orphanet 90348, MedGen C4225268, MONDO:0014706, OMIM 616603.
ALDH18A1-related disorder. Also called: ALDH18A1-related disorders.

Allele frequency attached by ClinVar (database versions not stated): gnomAD exomes 0.00001; ExAC 0.00002; gnomAD 0.00005; ESP Exome Variant Server 0.00015.
gnomAD v4.1: 17 of 1,613,808 alleles (0.0011%); highest among the groups gnomAD compares: African/African-American, 0.016%; no homozygotes.

Submissions (4):

Labcorp Genetics (formerly Invitae), Labcorp
Classification: Likely benign for Autosomal dominant spastic paraplegia type 9; de Barsy syndrome; Cutis laxa, autosomal dominant 3. Last evaluated: 2026-02-02. Review status: criteria provided, single submitter. Criteria: Invitae Variant Classification Sherloc (09022015). Collection method: clinical testing. Allele origin: germline.

Women's Health and Genetics/Laboratory Corporation of America, LabCorp
Classification: Uncertain significance. Last evaluated: 2025-06-15. Review status: criteria provided, single submitter. Criteria: LabCorp Variant Classification Summary - May 2015. Collection method: clinical testing. Allele origin: germline.
Comment: Variant summary: ALDH18A1 c.1106T>C (p.Met369Thr) results in a non-conservative amino acid change in the encoded protein sequence. Algorithms developed to predict the effect of missense changes on protein structure and function are either unavailable or do not agree on the potential impact of this missense change. The variant allele was found at a frequency of 1.2e-05 in 251470 control chromosomes. The available data on variant occurrences in the general population are insufficient to allow any conclusion about variant significance. To our knowledge, no occurrence of c.1106T>C in individuals affected with ALDH18A1-Related Disorder and no experimental evidence demonstrating its impact on protein function have been reported. ClinVar contains an entry for this variant (Variation ID: 2196698). Based on the evidence outlined above, the variant was classified as uncertain significance.

PreventionGenetics, part of Exact Sciences
Classification: Uncertain significance for ALDH18A1-related condition. Last evaluated: 2024-11-03. Review status: criteria provided, single submitter. Criteria: ACMG Guidelines, 2015. Collection method: clinical testing. Allele origin: germline.
Comment: The ALDH18A1 c.1106T>C variant is predicted to result in the amino acid substitution p.Met369Thr. To our knowledge, this variant has not been reported in the literature. This variant is present in 0.016% of alleles in individuals of African descent in gnomAD. At this time, the clinical significance of this variant is uncertain due to the absence of conclusive functional and genetic evidence.

GeneDx
Classification: Uncertain significance. Last evaluated: 2023-10-10. Review status: criteria provided, single submitter. Criteria: GeneDx Variant Classification Process June 2021. Collection method: clinical testing. Allele origin: germline. Affected: yes.
Comment: In silico analysis supports that this missense variant does not alter protein structure/function; Has not been previously published as pathogenic or benign to our knowledge